The following is an entry in ClinVar:

ClinVar aggregate classification (germline): Pathogenic (1 of 4 stars; one submission).

Conditions:
Primary ciliary dyskinesia 3. Identifiers: Orphanet 244, MedGen C1837618, MONDO:0012085, OMIM 608644.

Submission:

Myriad Genetics, Inc.
Classification: Pathogenic for Primary ciliary dyskinesia 3. Last evaluated: 2023-10-26. Review status: criteria provided, single submitter. Criteria: Myriad Autosomal Dominant, Autosomal Recessive and X-Linked Classification Criteria (2023). Collection method: clinical testing. Allele origin: unknown.
Comment: NM_001369.2(DNAH5):c.4162G>T(G1388*) is expected to be pathogenic in the context of primary ciliary dyskinesia, DNAH5-related. This variant is predicted to lead to an abnormal or absent protein product due to the creation of a premature termination codon in DNAH5, a gene where loss-of-function variants are known to be pathogenic. Please note: this variant was assessed in the context of healthy population screening.

NM_001369.3(DNAH5):c.4162G>T (p.Gly1388Ter)

Genes: DNAH5 (dynein axonemal heavy chain 5; minus strand), DNAH5-AS1 (DNAH5 antisense RNA 1; plus strand). Cytogenetic location: 5p15.2.
Variant type: single nucleotide variant.
Coding change: c.4162G>T on transcript NM_001369.3 (MANE Select); coding-DNA position 4162, G replaced by T.
Protein change: p.Gly1388Ter; replaces glycine 1388 with a stop codon.
Molecular consequence: nonsense.
Genome position (GRCh38, 1-based): chr5:13,865,861, C>A on the plus strand (G>T on the coding strand, the complement: DNAH5 is on the minus strand). VCF-style: chr5-13865861-C-A. GRCh37 (hg19) VCF-style: chr5-13865970-C-A.
Other names: short protein forms G1388*.
Identifiers: ClinVar variation 5012432 (VCV005012432.1).
Genomic context (GRCh38, chr5:13,865,861, plus strand): 5'-GCTTCTTTATTTCAAGAAGCTGAGGATACTGTGTAGCTGGCAGGCCAAAAAGCTCCTCTC[C>A]TCCAGTATATGTGATGTATTTCCGATAGATATTATCAAATTGATTCTAATAAAAACACAA-3'